The following is an entry in ClinVar:

ClinVar aggregate classification (germline): Uncertain significance (1 of 4 stars; one submission).

Submission:

Labcorp Genetics (formerly Invitae), Labcorp
Classification: Uncertain significance. Last evaluated: 2024-08-16. Review status: criteria provided, single submitter. Criteria: Invitae Variant Classification Sherloc (09022015). Collection method: clinical testing. Allele origin: germline.
Comment: This sequence change replaces arginine, which is basic and polar, with glycine, which is neutral and non-polar, at codon 553 of the POLE protein (p.Arg553Gly). This variant is not present in population databases (gnomAD no frequency). This variant has not been reported in the literature in individuals affected with POLE-related conditions. Invitae Evidence Modeling of protein sequence and biophysical properties (such as structural, functional, and spatial information, amino acid conservation, physicochemical variation, residue mobility, and thermodynamic stability) indicates that this missense variant is expected to disrupt POLE protein function with a positive predictive value of 80%. In summary, the available evidence is currently insufficient to determine the role of this variant in disease. Therefore, it has been classified as a Variant of Uncertain Significance.

NM_006231.4(POLE):c.1657C>G (p.Arg553Gly)

Gene: POLE (DNA polymerase epsilon, catalytic subunit; minus strand). Cytogenetic location: 12q24.33.
Variant type: single nucleotide variant.
Coding change: c.1657C>G on transcript NM_006231.4 (MANE Select); coding-DNA position 1657, C replaced by G.
Protein change: p.Arg553Gly; replaces arginine 553 with glycine.
Molecular consequence: missense variant.
Genome position (GRCh38, 1-based): chr12:132,672,656, G>C on the plus strand (C>G on the coding strand, the complement: POLE is on the minus strand). VCF-style: chr12-132672656-G-C. GRCh37 (hg19) VCF-style: chr12-133249242-G-C.
Other names: short protein forms R553G.
Identifiers: ClinVar variation 3662641 (VCV003662641.2).
Genomic context (GRCh38, chr12:132,672,656, plus strand): 5'-GAAGAATCTGAATCCCAGGGAAGAAGCACACCATCCTAAACCGGCAAGGGATATCGCTGC[G>C]GAAAACCCCAGACTCGAGGGCCTCCACGTGGCCCCCGACGTAGGTCTCAGAGTCCAGCAC-3'
Protein context (NP_006222.2, residues 543-563): HVEALESGVF[Arg553Gly]SDIPCRFRMN